The following is an entry in ClinVar:

NM_000168.6(GLI3):c.3853C>T (p.Pro1285Ser)

Gene: GLI3 (GLI family zinc finger 3; minus strand). Cytogenetic location: 7p14.1.
Variant type: single nucleotide variant.
Coding change: c.3853C>T on transcript NM_000168.6 (MANE Select); coding-DNA position 3853, C replaced by T.
Protein change: p.Pro1285Ser; replaces proline 1285 with serine.
Molecular consequence: missense variant.
Genome position (GRCh38, 1-based): chr7:41,965,220, G>A on the plus strand (C>T on the coding strand, the complement: GLI3 is on the minus strand). VCF-style: chr7-41965220-G-A. GRCh37 (hg19) VCF-style: chr7-42004818-G-A.
Other names: short protein forms P1285S.
Identifiers: ClinVar variation 3762440 (VCV003762440.2).

ClinVar aggregate classification (germline): Uncertain significance (1 of 4 stars; one submission).

Conditions:
Pallister-Hall syndrome (PHS). Also called: GLI3-Related Pallister-Hall Syndrome; HYPOTHALAMIC HAMARTOBLASTOMA, HYPOPITUITARISM, IMPERFORATE ANUS, AND POSTAXIAL POLYDACTYLY. Identifiers: Orphanet 672, MedGen C0265220, MONDO:0007804, OMIM 146510.
Greig cephalopolysyndactyly syndrome (GCPS). Also called: GLI3-Related Greig Cephalopolysyndactyly Syndrome; POLYSYNDACTYLY WITH PECULIAR SKULL SHAPE; Greig syndrome. Identifiers: Orphanet 380, MedGen C0265306, MONDO:0008287, OMIM 175700.

Submission:

Labcorp Genetics (formerly Invitae), Labcorp
Classification: Uncertain significance for Pallister-Hall syndrome; Greig cephalopolysyndactyly syndrome. Last evaluated: 2024-11-21. Review status: criteria provided, single submitter. Criteria: Invitae Variant Classification Sherloc (09022015). Collection method: clinical testing. Allele origin: germline.
Comment: This sequence change replaces proline, which is neutral and non-polar, with serine, which is neutral and polar, at codon 1285 of the GLI3 protein (p.Pro1285Ser). This variant is not present in population databases (gnomAD no frequency). This variant has not been reported in the literature in individuals affected with GLI3-related conditions. Invitae Evidence Modeling of protein sequence and biophysical properties (such as structural, functional, and spatial information, amino acid conservation, physicochemical variation, residue mobility, and thermodynamic stability) indicates that this missense variant is not expected to disrupt GLI3 protein function with a negative predictive value of 95%. In summary, the available evidence is currently insufficient to determine the role of this variant in disease. Therefore, it has been classified as a Variant of Uncertain Significance.